The following is an entry in ClinVar:

ClinVar aggregate classification (germline): Uncertain significance (1 of 4 stars; one submission).

Allele frequency attached by ClinVar (database versions not stated): gnomAD exomes below 0.00001; TOPMed below 0.00001.
gnomAD v4.1: 2 of 1,585,846 alleles (0.00013%); highest among the groups gnomAD compares: East Asian, 0.0023%; no homozygotes.

Submission:

Labcorp Genetics (formerly Invitae), Labcorp
Classification: Uncertain significance. Last evaluated: 2021-09-30. Review status: criteria provided, single submitter. Criteria: Invitae Variant Classification Sherloc (09022015). Collection method: clinical testing. Allele origin: germline.
Comment: This sequence change replaces isoleucine with threonine at codon 229 of the ASAH1 protein (p.Ile229Thr). The isoleucine residue is weakly conserved and there is a moderate physicochemical difference between isoleucine and threonine. This variant is not present in population databases (ExAC no frequency). This variant has not been reported in the literature in individuals affected with ASAH1-related conditions. Algorithms developed to predict the effect of missense changes on protein structure and function output the following: SIFT: "Tolerated"; PolyPhen-2: "Benign"; Align-GVGD: "Class C0". The threonine amino acid residue is found in multiple mammalian species, which suggests that this missense change does not adversely affect protein function. In summary, the available evidence is currently insufficient to determine the role of this variant in disease. Therefore, it has been classified as a Variant of Uncertain Significance.

NM_177924.5(ASAH1):c.686T>C (p.Ile229Thr)

Gene: ASAH1 (N-acylsphingosine amidohydrolase 1; minus strand). Cytogenetic location: 8p22.
Variant type: single nucleotide variant.
Coding change: c.686T>C on transcript NM_177924.5 (MANE Select); coding-DNA position 686, T replaced by C.
Protein change: p.Ile229Thr; replaces isoleucine 229 with threonine.
Molecular consequence: missense variant.
Genome position (GRCh38, 1-based): chr8:18,061,703, A>G on the plus strand (T>C on the coding strand, the complement: ASAH1 is on the minus strand). VCF-style: chr8-18061703-A-G. GRCh37 (hg19) VCF-style: chr8-17919212-A-G.
Other names: c.668T>C, p.Ile223Thr (NM_001127505.3); c.491T>C, p.Ile164Thr (NM_001363743.2); c.734T>C, p.Ile245Thr (NM_004315.6); short protein forms I245T, I164T, I223T, I229T.
Identifiers: ClinVar variation 1409215 (VCV001409215.5), dbSNP rs1036789333, ClinGen allele CA173141693.
Genomic context (GRCh38, chr8:18,061,703, plus strand): 5'-AAAGCTCTGAGATTCCCATTTCACTTGAGAATGCTCTACTTACCCAGATAACCACCATTT[A>G]TACTGAAACGTTCATTCAGTGTAAGACTGAACAGTCCCTGAGAAAAAGACAAAGCAACGA-3'
Protein context (NP_808592.2, residues 219-239): FSLTLNERFS[Ile229Thr]NGGYLGILEW